The following is an entry in ClinVar:

ClinVar aggregate classification (germline): Pathogenic. Review status: reviewed by expert panel (3 of 4 stars). 16 submissions from 16 submitters: Pathogenic (1). 15 of the submissions do not count toward it. Last evaluated 2022-10-18.

Conditions:
GAA-related disorders.
Glycogen storage disease, type II (IOPD). Also called: CARDIOMEGALIA GLYCOGENICA DIFFUSA; GLYCOGENOSIS, GENERALIZED, CARDIAC FORM; GSD II; Glucosidase acid-1,4-alpha deficiency; Glycogen storage disease type 2; Acid maltase deficiency disease. Identifiers: Orphanet 365, MedGen C0017921, MONDO:0009290, OMIM 232300.

Allele frequency attached by ClinVar (database versions not stated): ExAC 0.00001; gnomAD exomes 0.00001; TOPMed 0.00001; ESP Exome Variant Server 0.00008.
gnomAD v4.1: 14 of 1,613,004 alleles (0.00087%); highest among the groups gnomAD compares: Admixed American, 0.0017%; no homozygotes.

Submissions 1 to 7 of 16:

ClinGen Lysosomal Storage Disorder Variant Curation Expert Panel
Classification: Pathogenic for Glycogen storage disease, type II. Last evaluated: 2022-10-18. Review status: reviewed by expert panel. Criteria: clingen_lsd_acmg_specifications_v2-1. Collection method: curation. Allele origin: germline. Inheritance: Autosomal recessive inheritance.
Comment: The NM_000152.5:c.1799G>A variant in GAA is a missense variant predicted to result in substitution of arginine by histidine at amino acid 600 (p.Arg600His). This variant has been reported in at least 7 patients including those with symptoms consistent with infantile onset Pompe disease, <10% GAA activity in muscle, and showing improvement on enzyme replacement therapy (PMID: 15121988, 24715333); one patient identified on newborn screen with confirmatory GAA activity testing and showing cardiac hypertrophy and arrythmia on cardiac evaluation (PMID: 33073007), three patients with features consistent with Pompe disease and GAA activity in the laboratory's affected range in dried blood spots or leukocytes (PMID: 2267665, 33741225) (PP4_Moderate). Four patients are compound heterozygous for the variant and another variant in GAA, phase unknown, that has been classified a pathogenic by the ClinGen LSD VCEP including c.-32-13T>G (2 independent probands, PMIDs: 21967859, 2267665), c.2481+110_2646+39del) (2 independent probands, PMID: 15121988, 24715333; PMID: 2267665), and one homozygote (PMID: 33073007) (PM3_Strong). In addition, two patients are compound heterozygous for the variant and another missense change, or c.1465G>A (p.Asp489Asn) (PMID: 22711147) or c.1751A>C (p.His584Pro) (PMID: 33741225). The allelic data from these patients will be used in the assessment of the other missense change and is not included here to avoid circular logic. The amino acid change was reported in additional patients but the cDNA changes were not provided and so the data is not included (PMID: 10338092, 20033296). The highest population minor allele frequency in gnomAD is 0.00003 (1.30606 alleles) in the South Asian population, which is lower than the ClinGen LSD VCEP threshold (<0.001) for PM2_Supporting, meeting this criterion (PM2_Supporting). This variant alters the arginine at amino acid 600, a residue that crystallography studies have shown to be important important in the active site architecture and substrate binding of GAA, and therefore has been defined as a critical residue by the ClinGen LSD VCEP (PMID: 29061980) (PM1). This variant results in <2% GAA activity when expressed in COS-7 and HEK 293 cells (PMID: 19862843, 24715333), and was shown to be abnormally processed by Western blot analysis, with production of very little of the active 76 kDa form, when expressed in HEK293 cells (PMID: 24715333). PS3_Moderate is applied based on two separate studies, one showing GAA deficiency and the other showing abnormal GAA processing (PS3_Moderate). The computational predictor REVEL gives a score of 0.967 which is above the threshold of 0.7, evidence that correlates with impact to GAA function (PP3). Three additional missense changes in the same codon have been reported in patients with Pompe disease. The classification of p.Arg600His will be used to to support the classification of the other variants c.1798C>T (p.Arg600Cys) (pathogenic based on classification by the ClinGen LSD VCEP), c.1799G>C (p.Arg600Pro) and c.1799G>T (p.Arg600Leu), and is not used here to avoid circular logic. There is a ClinVar entry for this variant (Variation ID: 370130) with 10 submitters classifying the variant as pathogenic and two as likely pathogenic. In summary, this variant meets the criteria to be classified as pathogenic for Pompe disease. GAA-specific ACMG-AMP crteria applied, as specified by the ClinGen LSD VCEP (Specification Version 2.0): PM3_Strong, PM1, PS3_Moderate, PP4_Moderate, PP3, PM2_Supporting. Classification approved by the ClinGen LSD VCEP on Oct 18, 2022).

Genomenon, Inc
Classification: Pathogenic for Glycogen storage disease, type II. Last evaluated: 2026-07-01. Review status: criteria provided, single submitter. Criteria: Genomenon Sequence Variant Interpretation Standards - Updated. Collection method: curation. Allele origin: germline. Affected: yes. Not counted in ClinVar's aggregate classification.
Comment: GAA p.Arg600His (c.1799G>A) is a missense variant that changes the amino acid at codon 600 from Arginine to Histidine. This variant has been observed in at least one proband with a GAA-related disorder in the compound heterozygous and/or homozygous state (PMID:38958145;38043017;36237614;34072668;33741225;33073007;31606152;31086307;30049495). At least one functional study has demonstrated a substantial alteration in protein function relative to the wild-type (PMID:19862843;24715333). The variant is located in a mutational hotspot and/or important functional domain. It is absent or not present at a significant frequency in gnomAD. In silico models predict that this variant is possibly or probably damaging. In conclusion, we classify GAA p.Arg600His (c.1799G>A) as a pathogenic variant.

Labcorp Genetics (formerly Invitae), Labcorp
Classification: Pathogenic for Glycogen storage disease, type II. Last evaluated: 2025-12-27. Review status: criteria provided, single submitter. Criteria: Invitae Variant Classification Sherloc (09022015). Collection method: clinical testing. Allele origin: germline. Not counted in ClinVar's aggregate classification.
Comment: This sequence change replaces arginine, which is basic and polar, with histidine, which is basic and polar, at codon 600 of the GAA protein (p.Arg600His). This variant is present in population databases (rs377544304, gnomAD 0.003%). This missense change has been observed in individual(s) with Pompe disease (PMID: 10338092, 20033296, 30155607, 31342611). In at least one individual the data is consistent with being in trans (on the opposite chromosome) from a pathogenic variant. ClinVar contains an entry for this variant (Variation ID: 370130). Invitae Evidence Modeling of protein sequence and biophysical properties (such as structural, functional, and spatial information, amino acid conservation, physicochemical variation, residue mobility, and thermodynamic stability) indicates that this missense variant is expected to disrupt GAA protein function with a positive predictive value of 95%. Experimental studies have shown that this missense change affects GAA function (PMID: 19862843). This variant disrupts the p.Arg600 amino acid residue in GAA. Other variant(s) that disrupt this residue have been determined to be pathogenic (PMID: 10338092, 21039225, 21232767, 21439876). This suggests that this residue is clinically significant, and that variants that disrupt this residue are likely to be disease-causing. For these reasons, this variant has been classified as Pathogenic.

Natera, Inc.
Classification: Pathogenic for Glycogen storage disease type II. Last evaluated: 2025-09-14. Review status: criteria provided, single submitter. Criteria: Natera Variant Classification Schema (03/2026). Collection method: clinical testing. Allele origin: germline. Not counted in ClinVar's aggregate classification.
Comment: The c.1799G>A variant in GAA is a missense variant predicted to cause substitution of arginine to histidine at amino acid 600. This variant is rare in the general population with a frequency below the threshold expected for the associated phenotype(s). This variant has been observed in one or more individuals affected with the associated recessive disease, as either homozygous or compound heterozygous with a second variant (PMID: 34072668). Computational prediction algorithms indicate this variant is likely to affect gene or protein function. Given the available evidence, this variant is classified as Pathogenic.

Institute of Medical Genetics and Genomics, Sir Ganga Ram Hospital
Classification: Pathogenic for Glycogen storage disease, type II. Last evaluated: 2023-06-22. Review status: criteria provided, single submitter. Criteria: ACMG Guidelines, 2015. Collection method: clinical testing. Allele origin: germline. Inheritance: Autosomal recessive inheritance. Affected: yes. Observed: 1 homozygote. Not counted in ClinVar's aggregate classification.
Comment: This variant has been found 0.0012%gnomAD (aggregated). This has been previously reported PMID: 31342611

AiLife Diagnostics
Classification: Likely pathogenic. Last evaluated: 2021-12-15. Review status: criteria provided, single submitter. Criteria: ACMG Guidelines, 2015. Collection method: clinical testing. Allele origin: germline. Affected: yes. Observed: 2 variant alleles. Not counted in ClinVar's aggregate classification.

Revvity Omics, Revvity
Classification: Pathogenic. Last evaluated: 2021-10-21. Review status: criteria provided, single submitter. Criteria: ACMG Guidelines, 2015. Collection method: clinical testing. Allele origin: germline. Not counted in ClinVar's aggregate classification.

NM_000152.5(GAA):c.1799G>A (p.Arg600His)

Gene: GAA (alpha glucosidase; plus strand). Cytogenetic location: 17q25.3.
Variant type: single nucleotide variant.
Coding change: c.1799G>A on transcript NM_000152.5 (MANE Select); coding-DNA position 1799, G replaced by A.
Protein change: p.Arg600His; replaces arginine 600 with histidine.
Molecular consequence: missense variant.
Genome position (GRCh38, 1-based): chr17:80,112,622, G>A. VCF-style: chr17-80112622-G-A. GRCh37 (hg19) VCF-style: chr17-78086421-G-A.
Other names: c.1799G>A, p.Arg600His (NM_001079803.3, NM_001079804.3); c.1799G>A (LRG_673t1); short protein forms R600H.
Identifiers: ClinVar variation 370130 (VCV000370130.40), dbSNP rs377544304, ClinGen allele CA8815482.